The following is an entry in ClinVar:

ClinVar aggregate classification (germline): Likely pathogenic (3 of 4 stars; one submission).

Conditions:
T-cell immunodeficiency, congenital alopecia, and nail dystrophy. Also called: Congenital alopecia and nail dystrophy associated with severe functional T-cell immunodeficiency; Pignata Guarino syndrome. Identifiers: Orphanet 169095, MedGen C1866426, MONDO:0011132, OMIM 601705.

Submission:

ClinGen Severe Combined Immunodeficiency Variant Curation Expert Panel, ClinGen
Classification: Likely pathogenic for T-cell immunodeficiency, congenital alopecia, and nail dystrophy. Last evaluated: 2024-07-29. Review status: reviewed by expert panel. Criteria: ClinGen SCID ACMG Specifications FOXN1 V1.0.0. Collection method: curation. Allele origin: germline. Inheritance: Semidominant inheritance.
Comment: The frameshift variant NM_001369369.1(FOXN1):c.1296del is predicted to cause a premature stop codon in the final exon and escape nonsense mediated decay. The variant truncates the protein by roughly 16% and significantly alters the transactivation domain, a domain important to protein function (PVS1_strong). The variant is absent from gnomAD v4.0 (PM2_supporting). The variant was found in P15 from PMID:31566583 in the heterozygous state. This individual displayed phenotypes such as low T cell counts prior to transplantation and was exome sequenced. However, specific T cell counts were not noted and the type of organ transplantation was not specified (PP4 not met). The variant displayed significantly reduced activity in a two separate luciferase reporter assays 2% and 0.3% from PMIDs: 31566583 and 37419334 respectively, with one of the assays being validated with pathogenic and benign controls (PS3_moderate). In summary this variant meets criteria to be classified as likely pathogenic for semidominant T-cell immunodeficiency, congenital alopecia, and nail dystrophy due to FOXN1 deficiency based on the ACMG/AMP criteria applied: PVS1_strong, PS3_moderate, and PM2_supporting, as specified by the ClinGen SCID VCEP FOXN1 subgroup.

Literature cited by the submitters: PubMed 31566583; PubMed 37419334.

NM_001369369.1(FOXN1):c.1296del (p.Ile433fs)

Gene: FOXN1 (forkhead box N1; plus strand). Cytogenetic location: 17q11.2.
Variant type: Deletion.
Coding change: c.1296del on transcript NM_001369369.1 (MANE Select); coding-DNA position 1296, one base deleted (C; older notation c.1296delC).
Protein change: p.Ile433fs; shifts the reading frame from isoleucine 433.
Molecular consequence: frameshift variant.
Genome position (GRCh38, 1-based): chr17:28,534,867, C deleted; the last of 4 consecutive C bases (chr17:28,534,864-28,534,867); deleting any one gives the same sequence. VCF-style (leftmost placement, unchanged base first): chr17-28534863-GC-G. GRCh37 (hg19) VCF-style: chr17-26861881-GC-G.
Other names: NM_003593.3:c.1296del; c.1296del, p.Ile433fs (NM_003593.3); short protein forms I433fs.
Identifiers: ClinVar variation 3367211 (VCV003367211.1).